The following is an entry in ClinVar:

ClinVar aggregate classification (germline): Uncertain significance (1 of 4 stars; one submission).

Conditions:
Inborn genetic diseases. Identifiers: MedGen C0950123, MeSH D030342.

Submission:

Ambry Genetics
Classification: Uncertain significance for Inborn genetic diseases. Last evaluated: 2024-09-02. Review status: criteria provided, single submitter. Criteria: Ambry Variant Classification Scheme 2023. Collection method: clinical testing. Allele origin: germline.
Comment: The p.N2308H variant (also known as c.6922A>C), located in coding exon 47 of the LRRK2 gene, results from an A to C substitution at nucleotide position 6922. The asparagine at codon 2308 is replaced by histidine, an amino acid with similar properties. This amino acid position is conserved. In addition, this alteration is predicted to be tolerated by in silico analysis. Based on the available evidence, the clinical significance of this variant remains unclear.

NM_198578.4(LRRK2):c.6922A>C (p.Asn2308His)

Gene: LRRK2 (leucine rich repeat kinase 2; plus strand). Cytogenetic location: 12q12.
Variant type: single nucleotide variant.
Coding change: c.6922A>C on transcript NM_198578.4 (MANE Select); coding-DNA position 6922, A replaced by C.
Protein change: p.Asn2308His; replaces asparagine 2308 with histidine.
Molecular consequence: missense variant.
Genome position (GRCh38, 1-based): chr12:40,359,338, A>C. VCF-style: chr12-40359338-A-C. GRCh37 (hg19) VCF-style: chr12-40753140-A-C.
Other names: short protein forms N2308H.
Identifiers: ClinVar variation 3540656 (VCV003540656.1).